The following is an entry in ClinVar:

NM_001363118.2(SLC52A2):c.824G>A (p.Arg275His)

Gene: SLC52A2 (solute carrier family 52 member 2; plus strand). Cytogenetic location: 8q24.3.
Variant type: single nucleotide variant.
Coding change: c.824G>A on transcript NM_001363118.2 (MANE Select); coding-DNA position 824, G replaced by A.
Protein change: p.Arg275His; replaces arginine 275 with histidine.
Molecular consequence: missense variant. On other transcripts: non-coding transcript variant (1).
Genome position (GRCh38, 1-based): chr8:144,360,316, G>A. VCF-style: chr8-144360316-G-A. GRCh37 (hg19) VCF-style: chr8-145583976-G-A.
Other names: c.824G>A, p.Arg275His (NM_001253815.2, NM_001253816.2, NM_001363120.2 and 2 more transcripts); c.332G>A, p.Arg111His (NM_001363122.2); c.824G>A (NM_001253816.1); short protein forms R275H, R111H.
Identifiers: ClinVar variation 473208 (VCV000473208.17), dbSNP rs144912258, ClinGen allele CA4938287.

ClinVar aggregate classification (germline): Conflicting classifications of pathogenicity. Review status: criteria provided, conflicting classifications (1 of 4 stars). 4 submissions from 4 submitters: Uncertain significance (2); Likely benign (1). 1 of the submissions does not count toward it. Last evaluated 2026-08-24.

Conditions:
SLC52A2-related disorder. Also called: SLC52A2-related condition.
Brown-Vialetto-van Laere syndrome 2. Also called: Riboflavin transporter deficiency type 2; SPINOCEREBELLAR ATAXIA WITH BLINDNESS AND DEAFNESS 2. Identifiers: Orphanet 572543, Orphanet 97229, MedGen C3553538, MONDO:0013867, OMIM 614707.
Inborn genetic diseases. Identifiers: MedGen C0950123, MeSH D030342.

Allele frequency attached by ClinVar (database versions not stated): TOPMed 0.00057; ESP Exome Variant Server 0.00069.
gnomAD v4.1: 193 of 1,609,944 alleles (0.012%); highest among the groups gnomAD compares: African/African-American, 0.19%; 1 homozygote.

Submissions (4):

GeneDx
Classification: Uncertain significance. Last evaluated: 2026-08-24. Review status: criteria provided, single submitter. Criteria: GeneDx Variant Classification Process June 2021. Collection method: clinical testing. Allele origin: germline.
Comment: In silico analysis suggests that this missense variant does not alter protein structure/function; Has not been previously published as pathogenic or benign to our knowledge; This variant is associated with the following publications: (PMID: 30675404)

Labcorp Genetics (formerly Invitae), Labcorp
Classification: Likely benign for Brown-Vialetto-van Laere syndrome 2. Last evaluated: 2026-02-02. Review status: criteria provided, single submitter. Criteria: Invitae Variant Classification Sherloc (09022015). Collection method: clinical testing. Allele origin: germline.

Ambry Genetics
Classification: Uncertain significance for Inborn genetic diseases. Last evaluated: 2020-10-14. Review status: criteria provided, single submitter. Criteria: Ambry Variant Classification Scheme 2023. Collection method: clinical testing. Allele origin: germline.
Comment: The p.R275H variant (also known as c.824G>A), located in coding exon 2 of the SLC52A2 gene, results from a G to A substitution at nucleotide position 824. The arginine at codon 275 is replaced by histidine, an amino acid with highly similar properties. This amino acid position is not well conserved in available vertebrate species and histidine is the reference amino acid in other vertebrate species. In addition, this alteration is predicted to be tolerated by in silico analysis. Since supporting evidence is limited at this time, the clinical significance of this alteration remains unclear.

PreventionGenetics, part of Exact Sciences
Classification: Likely benign for SLC52A2-related condition. Last evaluated: 2024-04-23. Review status: no assertion criteria provided. Collection method: clinical testing. Allele origin: germline. Not counted in ClinVar's aggregate classification.
Comment: This variant is classified as likely benign based on ACMG/AMP sequence variant interpretation guidelines (Richards et al. 2015 PMID: 25741868, with internal and published modifications).